The following is an entry in ClinVar:

ClinVar aggregate classification (germline): Uncertain significance (1 of 4 stars; one submission).

gnomAD v4.1: 1 of 1,614,000 alleles (0.000062%); highest among the groups gnomAD compares: Non-Finnish European, 0.000085%; no homozygotes.

Submission:

Women's Health and Genetics/Laboratory Corporation of America, LabCorp
Classification: Uncertain significance. Last evaluated: 2024-07-30. Review status: criteria provided, single submitter. Criteria: LabCorp Variant Classification Summary - May 2015. Collection method: clinical testing. Allele origin: germline.
Comment: Variant summary: JARID2 c.3629G>C (p.Cys1210Ser) results in a non-conservative amino acid change in the encoded protein sequence. Three of five in-silico tools predict a benign effect of the variant on protein function. The variant allele was found at a frequency of 4e-06 in 251316 control chromosomes. The available data on variant occurrences in the general population are insufficient to allow any conclusion about variant significance. To our knowledge, no occurrence of c.3629G>C in individuals affected with Developmental Delay With Variable Intellectual Disability And Dysmorphic Facies and no experimental evidence demonstrating its impact on protein function have been reported. No submitters have cited clinical-significance assessments for this variant to ClinVar. Based on the evidence outlined above, the variant was classified as uncertain significance.

NM_004973.4(JARID2):c.3629G>C (p.Cys1210Ser)

Gene: JARID2 (jumonji and AT-rich interaction domain containing 2; plus strand). Cytogenetic location: 6p22.3.
Variant type: single nucleotide variant.
Coding change: c.3629G>C on transcript NM_004973.4 (MANE Select); coding-DNA position 3629, G replaced by C.
Protein change: p.Cys1210Ser; replaces cysteine 1210 with serine.
Molecular consequence: missense variant.
Genome position (GRCh38, 1-based): chr6:15,520,139, G>C. VCF-style: chr6-15520139-G-C. GRCh37 (hg19) VCF-style: chr6-15520370-G-C.
Other names: c.3113G>C, p.Cys1038Ser (NM_001267040.1); short protein forms C1038S, C1210S.
Identifiers: ClinVar variation 3339253 (VCV003339253.1).